The following is an entry in ClinVar:

ClinVar aggregate classification (germline): Likely benign (0 of 4 stars; one submission).

Conditions:
SMARCC2-related disorder. Also called: SMARCC2-related condition.

Allele frequency attached by ClinVar (database versions not stated): gnomAD exomes 0.00004; gnomAD 0.00007; TOPMed 0.00010; ExAC 0.00019.
gnomAD v4.1: 70 of 1,611,000 alleles (0.0043%); highest among the groups gnomAD compares: East Asian, 0.14%; no homozygotes.

Submission:

PreventionGenetics, part of Exact Sciences
Classification: Likely benign for SMARCC2-related condition. Last evaluated: 2019-10-22. Review status: no assertion criteria provided. Collection method: clinical testing. Allele origin: germline.
Comment: This variant is classified as likely benign based on ACMG/AMP sequence variant interpretation guidelines (Richards et al. 2015 PMID: 25741868, with internal and published modifications).

NM_001330288.2(SMARCC2):c.962C>T (p.Ser321Leu)

Gene: SMARCC2 (SWI/SNF related BAF chromatin remodeling complex subunit C2; minus strand). Cytogenetic location: 12q13.2.
Variant type: single nucleotide variant.
Coding change: c.962C>T on transcript NM_001330288.2 (MANE Select); coding-DNA position 962, C replaced by T.
Protein change: p.Ser321Leu; replaces serine 321 with leucine.
Molecular consequence: missense variant.
Genome position (GRCh38, 1-based): chr12:56,181,096, G>A on the plus strand (C>T on the coding strand, the complement: SMARCC2 is on the minus strand). VCF-style: chr12-56181096-G-A. GRCh37 (hg19) VCF-style: chr12-56574880-G-A.
Other names: c.962C>T, p.Ser321Leu (NM_001130420.3, NM_003075.5, NM_139067.4); short protein forms S321L.
Identifiers: ClinVar variation 3046207 (VCV003046207.2), dbSNP rs777713276, ClinGen allele CA6626220.
Genomic context (GRCh38, chr12:56,181,096, plus strand): 5'-TTTGTCAGGTCTTCTTGCTCCTCTTCTCTGTGGCCACGCTTTGACTTAGTGTAAGGTGTT[G>A]AGGGACTGGGAAGGAAAGAGAGTGAAAGAGAACCCAGTCATCCTTGGACAAGGAGTCCCT-3'
Protein context (NP_001317217.1, residues 311-331): AKKKNAKKGP[Ser321Leu]TPYTKSKRGH